The following is an entry in ClinVar:

ClinVar aggregate classification (germline): Likely benign. Review status: criteria provided, multiple submitters, no conflicts (2 of 4 stars). 3 submissions from 3 submitters: Likely benign (3). Last evaluated 2026-03-01.

Allele frequency attached by ClinVar (database versions not stated): ESP Exome Variant Server 0.00008; TOPMed 0.00008; gnomAD 0.00010; 1000 Genomes Project 30x 0.00031; 1000 Genomes Project 0.00040.
gnomAD v4.1: 54 of 1,614,124 alleles (0.0033%); highest among the groups gnomAD compares: East Asian, 0.045%; no homozygotes.

Submissions (3):

CeGaT Center for Human Genetics Tuebingen
Classification: Likely benign. Last evaluated: 2026-03-01. Review status: criteria provided, single submitter. Criteria: CeGaT Center For Human Genetics Tuebingen Variant Classification Criteria Version 2. Collection method: clinical testing. Allele origin: germline. Affected: yes. Observed: 1 variant allele.
Comment: EIF2B4: BP4, BP7

Labcorp Genetics (formerly Invitae), Labcorp
Classification: Likely benign. Last evaluated: 2025-12-23. Review status: criteria provided, single submitter. Criteria: Invitae Variant Classification Sherloc (09022015). Collection method: clinical testing. Allele origin: germline.

Mayo Clinic Laboratories, Mayo Clinic
Classification: Likely benign. Last evaluated: 2025-07-09. Review status: criteria provided, single submitter. Criteria: ACMG Guidelines, 2015. Collection method: clinical testing. Allele origin: germline. Observed: 1 variant allele.
Comment: BP4, BP7

NM_001034116.2(EIF2B4):c.1506G>A (p.Thr502=)

Genes: EIF2B4 (eukaryotic translation initiation factor 2B subunit delta; minus strand), GTF3C2-AS2 (GTF3C2 antisense RNA 2; plus strand). Cytogenetic location: 2p23.3.
Variant type: single nucleotide variant.
Coding change: c.1506G>A on transcript NM_001034116.2 (MANE Select); coding-DNA position 1506, G replaced by A.
Protein change: p.Thr502=; no amino-acid change (threonine 502 retained).
Molecular consequence: synonymous variant.
Genome position (GRCh38, 1-based): chr2:27,364,466, C>T on the plus strand (G>A on the coding strand, the complement: EIF2B4 is on the minus strand). VCF-style: chr2-27364466-C-T. GRCh37 (hg19) VCF-style: chr2-27587333-C-T.
Other names: p.Thr501=; c.1569G>A, p.Thr523= (NM_001318965.2); c.1461G>A, p.Thr487= (NM_001318966.2); c.1413G>A, p.Thr471= (NM_001318967.2); c.921G>A, p.Thr307= (NM_001318968.2); c.888G>A, p.Thr296= (NM_001318969.2); c.1503G>A, p.Thr501= (NM_015636.4); c.1566G>A, p.Thr522= (NM_172195.4); and 1 more.
Identifiers: ClinVar variation 2146969 (VCV002146969.9), dbSNP rs146687759, ClinGen allele CA1576557.